The following is an entry in ClinVar:

ClinVar aggregate classification (germline): Conflicting classifications of pathogenicity. Review status: criteria provided, conflicting classifications (1 of 4 stars). 5 submissions from 5 submitters: Uncertain significance (2); Benign (1); Likely benign (2). Last evaluated 2025-03-27.

Conditions:
Hereditary cancer-predisposing syndrome. Also called: Neoplastic Syndromes, Hereditary; Hereditary neoplastic syndrome; Hereditary Cancer Syndrome; Tumor predisposition. Identifiers: Orphanet 140162, MedGen C0027672, MeSH D009386, MONDO:0015356.
Peutz-Jeghers syndrome (PJS). Also called: POLYPOSIS, HAMARTOMATOUS INTESTINAL; POLYPS-AND-SPOTS SYNDROME; Peutz-Jeghers polyposis; Periorificial lentiginosis syndrome. Identifiers: Orphanet 2869, MedGen C0031269, MeSH D010580, MONDO:0008280, OMIM 175200.

Allele frequency attached by ClinVar (database versions not stated): gnomAD exomes below 0.00001.
gnomAD v4.1: 3 of 1,557,770 alleles (0.00019%); highest among the groups gnomAD compares: South Asian, 0.0024%; no homozygotes.

Submissions (5):

Myriad Genetics, Inc.
Classification: Benign for Peutz-Jeghers syndrome. Last evaluated: 2025-03-27. Review status: criteria provided, single submitter. Criteria: Myriad Autosomal Dominant, Autosomal Recessive and X-Linked Classification Criteria (2023). Collection method: clinical testing. Allele origin: unknown.
Comment: This variant is considered benign. This variant is a silent/synonymous amino acid change and it is not expected to impact splicing.

Labcorp Genetics (formerly Invitae), Labcorp
Classification: Likely benign for Peutz-Jeghers syndrome. Last evaluated: 2024-10-28. Review status: criteria provided, single submitter. Criteria: Invitae Variant Classification Sherloc (09022015). Collection method: clinical testing. Allele origin: germline.

Genome-Nilou Lab
Classification: Uncertain significance for Peutz-Jeghers syndrome. Last evaluated: 2021-07-15. Review status: criteria provided, single submitter. Criteria: ACMG Guidelines, 2015. Collection method: clinical testing. Allele origin: germline. Affected: no.

Ambry Genetics
Classification: Likely benign for Hereditary cancer-predisposing syndrome. Last evaluated: 2020-09-09. Review status: criteria provided, single submitter. Criteria: Ambry Variant Classification Scheme 2023. Collection method: clinical testing. Allele origin: germline.

Quest Diagnostics Nichols Institute San Juan Capistrano
Classification: Uncertain significance. Last evaluated: 2019-09-13. Review status: criteria provided, single submitter. Criteria: Quest Diagnostics criteria. Collection method: clinical testing. Allele origin: unknown.

NM_000455.5(STK11):c.864G>A (p.Gly288=)

Gene: STK11 (serine/threonine kinase 11; plus strand). Cytogenetic location: 19p13.3.
Variant type: single nucleotide variant.
Coding change: c.864G>A on transcript NM_000455.5 (MANE Select); coding-DNA position 864, G replaced by A.
Protein change: p.Gly288=; no amino-acid change (glycine 288 retained).
Molecular consequence: synonymous variant.
Genome position (GRCh38, 1-based): chr19:1,221,950, G>A. VCF-style: chr19-1221950-G-A. GRCh37 (hg19) VCF-style: chr19-1221949-G-A.
Identifiers: ClinVar variation 993155 (VCV000993155.16), dbSNP rs2080787350, ClinGen allele CA504707675.
Genomic context (GRCh38, chr19:1,221,950, plus strand): 5'-GGTTGGTGGGGTCTCAGGCCTGTGCCCAGCTGACAGGCTCCTCGCCGGCTTCTCCTCAGG[G>A]ATGCTTGAGTACGAACCGGCCAAGAGGTTCTCCATCCGGCAGATCCGGCAGCACAGGTGA-3'
Protein context (NP_000446.1, residues 278-298): CGPPLSDLLK[Gly288=]MLEYEPAKRF